The following is an entry in ClinVar:

ClinVar aggregate classification (germline): Uncertain significance (1 of 4 stars; one submission).

Submission:

Labcorp Genetics (formerly Invitae), Labcorp
Classification: Uncertain significance. Last evaluated: 2025-03-31. Review status: criteria provided, single submitter. Criteria: Invitae Variant Classification Sherloc (09022015). Collection method: clinical testing. Allele origin: germline.
Comment: This sequence change replaces aspartic acid, which is acidic and polar, with glutamic acid, which is acidic and polar, at codon 3707 of the LRP2 protein (p.Asp3707Glu). This variant is not present in population databases (gnomAD no frequency). This variant has not been reported in the literature in individuals affected with LRP2-related conditions. Invitae Evidence Modeling of protein sequence and biophysical properties (such as structural, functional, and spatial information, amino acid conservation, physicochemical variation, residue mobility, and thermodynamic stability) indicates that this missense variant is expected to disrupt LRP2 protein function with a positive predictive value of 95%. Algorithms developed to predict the effect of sequence changes on RNA splicing suggest that this variant may disrupt the consensus splice site. In summary, the available evidence is currently insufficient to determine the role of this variant in disease. Therefore, it has been classified as a Variant of Uncertain Significance.

NM_004525.3(LRP2):c.11121C>G (p.Asp3707Glu)

Gene: LRP2 (LDL receptor related protein 2; minus strand). Cytogenetic location: 2q31.1.
Variant type: single nucleotide variant.
Coding change: c.11121C>G on transcript NM_004525.3 (MANE Select); coding-DNA position 11121, C replaced by G.
Protein change: p.Asp3707Glu; replaces aspartic acid 3707 with glutamic acid.
Molecular consequence: missense variant.
Genome position (GRCh38, 1-based): chr2:169,173,118, G>C on the plus strand (C>G on the coding strand, the complement: LRP2 is on the minus strand). VCF-style: chr2-169173118-G-C. GRCh37 (hg19) VCF-style: chr2-170029628-G-C.
Other names: short protein forms D3707E.
Identifiers: ClinVar variation 4800304 (VCV004800304.1).